The following is an entry in ClinVar:

ClinVar aggregate classification (germline): Uncertain significance (1 of 4 stars; one submission).

Submission:

Labcorp Genetics (formerly Invitae), Labcorp
Classification: Uncertain significance. Last evaluated: 2019-10-31. Review status: criteria provided, single submitter. Criteria: Invitae Variant Classification Sherloc (09022015). Collection method: clinical testing. Allele origin: germline.
Comment: In summary, the available evidence is currently insufficient to determine the role of this variant in disease. Therefore, it has been classified as a Variant of Uncertain Significance. Algorithms developed to predict the effect of missense changes on protein structure and function are either unavailable or do not agree on the potential impact of this missense change (SIFT: "Deleterious"; PolyPhen-2: "Benign"; Align-GVGD: "Class C55"). This variant has not been reported in the literature in individuals with MAPKAPK3-related conditions. This variant is not present in population databases (ExAC no frequency). This sequence change replaces alanine with valine at codon 198 of the MAPKAPK3 protein (p.Ala198Val). The alanine residue is highly conserved and there is a small physicochemical difference between alanine and valine.

NM_001243925.2(MAPKAPK3):c.593C>T (p.Ala198Val)

Gene: MAPKAPK3 (MAPK activated protein kinase 3; plus strand). Cytogenetic location: 3p21.2.
Variant type: single nucleotide variant.
Coding change: c.593C>T on transcript NM_001243925.2 (MANE Select); coding-DNA position 593, C replaced by T.
Protein change: p.Ala198Val; replaces alanine 198 with valine.
Molecular consequence: missense variant.
Genome position (GRCh38, 1-based): chr3:50,644,497, C>T. VCF-style: chr3-50644497-C-T. GRCh37 (hg19) VCF-style: chr3-50681928-C-T.
Other names: c.593C>T, p.Ala198Val (NM_001243926.2, NM_004635.5); short protein forms A198V.
Identifiers: ClinVar variation 962363 (VCV000962363.6), dbSNP rs2033243949, ClinGen allele CA352930804.
Genomic context (GRCh38, chr3:50,644,497, plus strand): 5'-AGAAAGACGCAGTGCTTAAGCTCACCGATTTTGGCTTTGCTAAGGAGACCACCCAAAATG[C>T]CCTGCAGACACCCTGCTATACTCCCTATTATGTGGGTGAGTCCTTCGGACATGAGTTGTA-3'
Protein context (NP_001230854.1, residues 188-208): FGFAKETTQN[Ala198Val]LQTPCYTPYY